The following is an entry in ClinVar:

NM_002206.3(ITGA7):c.253del (p.Ala85fs)

Gene: ITGA7 (integrin subunit alpha 7; minus strand). Cytogenetic location: 12q13.2.
Variant type: Deletion.
Coding change: c.253del on transcript NM_002206.3 (MANE Select); coding-DNA position 253, one base deleted (G; older notation c.253delG).
Protein change: p.Ala85fs; shifts the reading frame from alanine 85.
Molecular consequence: frameshift variant. On other transcripts: 5 prime UTR variant (3), intron variant (1).
Genome position (GRCh38, 1-based): chr12:55,703,132, C deleted on the plus strand (G on the coding strand, the reverse complement: ITGA7 is on the minus strand); the first of 2 consecutive C bases (chr12:55,703,132-55,703,133); deleting either gives the same sequence. VCF-style (leftmost placement, unchanged base first): chr12-55703131-GC-G. GRCh37 (hg19) VCF-style: chr12-56096915-GC-G.
Other names: p.Ala85Argfs*12; c.253del, p.Ala85fs (NM_001144996.2, NM_001374465.1, NM_001410977.1 and 6 more transcripts); c.-87del (NM_001367993.1, NM_001414035.1); c.-920del (NM_001367994.1); c.86-1716del (NM_001144997.2); short protein forms A85fs.
Identifiers: ClinVar variation 3381089 (VCV003381089.1).

ClinVar aggregate classification (germline): Likely pathogenic (1 of 4 stars; one submission).

Submission:

Mayo Clinic Laboratories, Mayo Clinic
Classification: Likely pathogenic. Last evaluated: 2024-09-25. Review status: criteria provided, single submitter. Criteria: ACMG Guidelines, 2015. Collection method: clinical testing. Allele origin: germline. Observed: 1 variant allele.
Comment: PM2, PVS1